The following is an entry in ClinVar:

NM_001128148.3(TFRC):c.1406G>A (p.Gly469Glu)

Gene: TFRC (transferrin receptor; minus strand). Cytogenetic location: 3q29.
Variant type: single nucleotide variant.
Coding change: c.1406G>A on transcript NM_001128148.3 (MANE Select); coding-DNA position 1406, G replaced by A.
Protein change: p.Gly469Glu; replaces glycine 469 with glutamic acid.
Molecular consequence: missense variant.
Genome position (GRCh38, 1-based): chr3:196,062,644, C>T on the plus strand (G>A on the coding strand, the complement: TFRC is on the minus strand). VCF-style: chr3-196062644-C-T. GRCh37 (hg19) VCF-style: chr3-195789515-C-T.
Other names: c.1406G>A (NM_003234.2); c.1163G>A, p.Gly388Glu (NM_001313965.2); c.560G>A, p.Gly187Glu (NM_001313966.2); c.1406G>A, p.Gly469Glu (NM_003234.4); short protein forms G187E, G469E, G388E.
Identifiers: ClinVar variation 1390235 (VCV001390235.11), dbSNP rs199951786, ClinGen allele CA2777927.

ClinVar aggregate classification (germline): Uncertain significance. Review status: criteria provided, multiple submitters, no conflicts (2 of 4 stars). 3 submissions from 3 submitters: Uncertain significance (3). Last evaluated 2025-10-14.

Conditions:
Inborn genetic diseases. Identifiers: MedGen C0950123, MeSH D030342.

Allele frequency attached by ClinVar (database versions not stated): ExAC 0.00006; gnomAD 0.00006; TOPMed 0.00006; gnomAD exomes 0.00008 and 0.00013; ESP Exome Variant Server 0.00015.
gnomAD v4.1: 188 of 1,605,390 alleles (0.012%); highest among the groups gnomAD compares: Non-Finnish European, 0.016%; no homozygotes.

Submissions (3):

Labcorp Genetics (formerly Invitae), Labcorp
Classification: Uncertain significance. Last evaluated: 2025-10-14. Review status: criteria provided, single submitter. Criteria: Invitae Variant Classification Sherloc (09022015). Collection method: clinical testing. Allele origin: germline.
Comment: This sequence change replaces glycine, which is neutral and non-polar, with glutamic acid, which is acidic and polar, at codon 469 of the TFRC protein (p.Gly469Glu). This variant is present in population databases (rs199951786, gnomAD 0.02%). This variant has not been reported in the literature in individuals affected with TFRC-related conditions. ClinVar contains an entry for this variant (Variation ID: 1390235). An algorithm developed to predict the effect of missense changes on protein structure and function (PolyPhen-2) suggests that this variant is likely to be disruptive. In summary, the available evidence is currently insufficient to determine the role of this variant in disease. Therefore, it has been classified as a Variant of Uncertain Significance.

Ambry Genetics
Classification: Uncertain significance for Inborn genetic diseases. Last evaluated: 2025-02-24. Review status: criteria provided, single submitter. Criteria: Ambry Variant Classification Scheme 2023. Collection method: clinical testing. Allele origin: germline.

Blueprint Genetics
Classification: Uncertain significance. Last evaluated: 2024-08-16. Review status: criteria provided, single submitter. Criteria: ACMG Guidelines, 2015. Collection method: clinical testing. Allele origin: germline.